The following is an entry in ClinVar:

ClinVar aggregate classification (germline): Uncertain significance (1 of 4 stars; one submission).

gnomAD v4.1: 4 of 1,551,016 alleles (0.00026%); highest among the groups gnomAD compares: Non-Finnish European, 0.00035%; no homozygotes.

Submission:

Labcorp Genetics (formerly Invitae), Labcorp
Classification: Uncertain significance. Last evaluated: 2021-03-31. Review status: criteria provided, single submitter. Criteria: Invitae Variant Classification Sherloc (09022015). Collection method: clinical testing. Allele origin: germline.
Comment: In summary, the available evidence is currently insufficient to determine the role of this variant in disease. Therefore, it has been classified as a Variant of Uncertain Significance. Algorithms developed to predict the effect of missense changes on protein structure and function are either unavailable or do not agree on the potential impact of this missense change (SIFT: "Deleterious"; PolyPhen-2: "Not Available"; Align-GVGD: "Class C0"). This variant has not been reported in the literature in individuals with AGPS-related conditions. The frequency data for this variant in the population databases is considered unreliable, as metrics indicate insufficient coverage at this position in the ExAC database. This sequence change replaces glycine with arginine at codon 12 of the AGPS protein (p.Gly12Arg). The glycine residue is weakly conserved and there is a moderate physicochemical difference between glycine and arginine.

NM_003659.4(AGPS):c.34G>C (p.Gly12Arg)

Genes: AGPS (alkylglycerone phosphate synthase; plus strand), LOC129935172 (ATAC-STARR-seq lymphoblastoid silent region 12147; plus strand). Cytogenetic location: 2q31.2.
Variant type: single nucleotide variant.
Coding change: c.34G>C on transcript NM_003659.4 (MANE Select); coding-DNA position 34, G replaced by C.
Protein change: p.Gly12Arg; replaces glycine 12 with arginine.
Molecular consequence: missense variant.
Genome position (GRCh38, 1-based): chr2:177,392,823, G>C. VCF-style: chr2-177392823-G-C. GRCh37 (hg19) VCF-style: chr2-178257551-G-C.
Other names: short protein forms G12R.
Identifiers: ClinVar variation 1356154 (VCV001356154.8), dbSNP rs2105575900, ClinGen allele CA349700253.